The following is an entry in ClinVar:

NM_000256.3(MYBPC3):c.1828G>T (p.Asp610Tyr)

Gene: MYBPC3 (myosin binding protein C3; minus strand). Cytogenetic location: 11p11.2.
Variant type: single nucleotide variant.
Coding change: c.1828G>T on transcript NM_000256.3 (MANE Select); coding-DNA position 1828, G replaced by T.
Protein change: p.Asp610Tyr; replaces aspartic acid 610 with tyrosine.
Molecular consequence: missense variant.
Genome position (GRCh38, 1-based): chr11:47,341,207, C>A on the plus strand (G>T on the coding strand, the complement: MYBPC3 is on the minus strand). VCF-style: chr11-47341207-C-A. GRCh37 (hg19) VCF-style: chr11-47362758-C-A.
Other names: short protein forms D610Y.
Identifiers: ClinVar variation 1394615 (VCV001394615.10), dbSNP rs371564200, ClinGen allele CA380323975.
Genomic context (GRCh38, chr11:47,341,207, plus strand): 5'-GGAGCTTGGCTGACAGGTTGCAGGCGAAGCCCTCGGGCACAAAGCTGTAGTCAGCCTCGT[C>A]GGCAGGTGTGACGTCGTCAATGGTCAGTTTGTGGACCCTGCAGGGGAGCAGTGGCTCAGG-3'
Protein context (NP_000247.2, residues 600-620): KLTIDDVTPA[Asp610Tyr]EADYSFVPEG

ClinVar aggregate classification (germline): Uncertain significance. Review status: criteria provided, multiple submitters, no conflicts (2 of 4 stars). 2 submissions from 2 submitters: Uncertain significance (2). Last evaluated 2024-10-18.

Conditions:
Cardiomyopathy (CMYO). Also called: Cardiomyopathies. Identifiers: Orphanet 167848, MedGen C0878544, MONDO:0004994, HP:0001638. Inheritance: Various modes of inheritance.
Hypertrophic cardiomyopathy. Also called: HYPERTROPHIC MYOCARDIOPATHY. Identifiers: Orphanet 217569, MedGen C0007194, MeSH D002312, MONDO:0005045, HP:0001639.

gnomAD v4.1: 2 of 1,599,100 alleles (0.00013%); highest among the groups gnomAD compares: Non-Finnish European, 0.000085%; no homozygotes.

Submissions (2):

Labcorp Genetics (formerly Invitae), Labcorp
Classification: Uncertain significance for Hypertrophic cardiomyopathy. Last evaluated: 2024-10-18. Review status: criteria provided, single submitter. Criteria: Invitae Variant Classification Sherloc (09022015). Collection method: clinical testing. Allele origin: germline.
Comment: This sequence change replaces aspartic acid, which is acidic and polar, with tyrosine, which is neutral and polar, at codon 610 of the MYBPC3 protein (p.Asp610Tyr). This variant is not present in population databases (gnomAD no frequency). This variant has not been reported in the literature in individuals affected with MYBPC3-related conditions. ClinVar contains an entry for this variant (Variation ID: 1394615). An algorithm developed to predict the effect of missense changes on protein structure and function (PolyPhen-2) suggests that this variant is likely to be disruptive. This variant disrupts the p.Asp610 amino acid residue in MYBPC3. Other variant(s) that disrupt this residue have been determined to be pathogenic (PMID: 18533079, 25740977, 28356264; internal data). This suggests that this residue is clinically significant, and that variants that disrupt this residue are likely to be disease-causing. In summary, the available evidence is currently insufficient to determine the role of this variant in disease. Therefore, it has been classified as a Variant of Uncertain Significance.

Color Diagnostics, LLC DBA Color Health
Classification: Uncertain significance for Cardiomyopathy. Last evaluated: 2021-12-07. Review status: criteria provided, single submitter. Criteria: ACMG Guidelines, 2015. Collection method: clinical testing. Allele origin: germline.
Comment: This missense variant replaces aspartic acid with tyrosine at codon 610 of the MYBPC3 protein. Computational prediction suggests that this variant may have deleterious impact on protein structure and function (internally defined REVEL score threshold >= 0.7, PMID: 27666373). To our knowledge, functional studies have not been reported for this variant. This variant has not been reported in individuals affected with cardiovascular disorders in the literature. This variant has not been identified in the general population by the Genome Aggregation Database (gnomAD). The available evidence is insufficient to determine the role of this variant in disease conclusively. Therefore, this variant is classified as a Variant of Uncertain Significance.

Literature cited by the submitters: PubMed 18533079 (cited by Labcorp Genetics (formerly Invitae), Labcorp); PubMed 25740977 (cited by Labcorp Genetics (formerly Invitae), Labcorp); PubMed 28356264 (cited by Labcorp Genetics (formerly Invitae), Labcorp).